The following is an entry in ClinVar:

ClinVar aggregate classification (germline): Uncertain significance (1 of 4 stars; one submission).

Conditions:
Epidermolysis bullosa simplex 5B, with muscular dystrophy (EBS5B). Also called: Epidermolysis bullosa simplex with muscular dystrophy; EPIDERMOLYSIS BULLOSA SIMPLEX AND LIMB-GIRDLE MUSCULAR DYSTROPHY. Identifiers: Orphanet 257, MedGen C2931072, MONDO:0009181, OMIM 226670.
Epidermolysis bullosa simplex, Ogna type (EBS5A). Also called: Pidermolysis bullosa simplex 5A, Ogna type; EPIDERMOLYSIS BULLOSA SIMPLEX 5A, OGNA TYPE. Identifiers: Orphanet 79401, MedGen C0432317, MONDO:0007555, OMIM 131950.
Epidermolysis bullosa simplex 5C, with pyloric atresia (EBS5C). Also called: Epidermolysis bullosa simplex with pyloric atresia; PLEC-Related Epidermolysis Bullosa with Pyloric Atresia; PLEC1-Related Epidermolysis Bullosa with Pyloric Atresia. Identifiers: Orphanet 158684, MedGen C2677349, MONDO:0012807, OMIM 612138.
Autosomal recessive limb-girdle muscular dystrophy type 2Q (LGMDR17). Also called: MUSCULAR DYSTROPHY, LIMB-GIRDLE, AUTOSOMAL RECESSIVE 17. Identifiers: Orphanet 254361, MedGen C3150989, MONDO:0013390, OMIM 613723.
Epidermolysis bullosa simplex with nail dystrophy (EBS5D). Identifiers: MedGen C4225309, MONDO:0014661, OMIM 616487.

Submission:

Labcorp Genetics (formerly Invitae), Labcorp
Classification: Uncertain significance for Autosomal recessive limb-girdle muscular dystrophy type 2Q; Epidermolysis bullosa simplex, Ogna type; Epidermolysis bullosa simplex with nail dystrophy; Epidermolysis bullosa simplex 5C, with pyloric atresia; Epidermolysis bullosa simplex 5B, with muscular dystrophy. Last evaluated: 2022-02-18. Review status: criteria provided, single submitter. Criteria: Invitae Variant Classification Sherloc (09022015). Collection method: clinical testing. Allele origin: germline.
Comment: Experimental studies and prediction algorithms are not available or were not evaluated, and the functional significance of this variant is currently unknown. In summary, the available evidence is currently insufficient to determine the role of this variant in disease. Therefore, it has been classified as a Variant of Uncertain Significance. This variant has not been reported in the literature in individuals affected with PLEC-related conditions. This variant is not present in population databases (gnomAD no frequency). This variant, c.7103_7108del, results in the deletion of 2 amino acid(s) of the PLEC protein (p.Glu2368_Gln2369del), but otherwise preserves the integrity of the reading frame.

NM_201384.3(PLEC):c.7022_7027del (p.Glu2341_Gln2342del)

Gene: PLEC (plectin; minus strand). Cytogenetic location: 8q24.3.
Variant type: Deletion.
Coding change: c.7022_7027del on transcript NM_201384.3 (MANE Select); coding-DNA positions 7022 to 7027, 6 bases deleted (AGCAGG; older notation c.7022_7027delAGCAGG).
Protein change: p.Glu2341_Gln2342del.
Molecular consequence: inframe deletion.
Genome position (GRCh38, 1-based): chr8:143,922,902-143,922,907, CCTGCT deleted on the plus strand (AGCAGG on the coding strand, the reverse complement: PLEC is on the minus strand); deleting any 6 consecutive bases within chr8:143,922,902-143,922,912 gives the same sequence; the c. name uses the placement nearest the transcript's 3' end. VCF-style (leftmost placement, unchanged base first): chr8-143922901-GCCTGCT-G. GRCh37 (hg19) VCF-style: chr8-144997069-GCCTGCT-G.
Other names: c.7103_7108del, p.Glu2368_Gln2369del (NM_000445.5); c.6980_6985del, p.Glu2327_Gln2328del (NM_201378.4); c.6956_6961del, p.Glu2319_Gln2320del (NM_201379.3); c.7433_7438del, p.Glu2478_Gln2479del (NM_201380.4); c.6926_6931del, p.Glu2309_Gln2310del (NM_201381.3); c.7022_7027del, p.Glu2341_Gln2342del (NM_201382.4); c.7034_7039del, p.Glu2345_Gln2346del (NM_201383.3).
Identifiers: ClinVar variation 1979891 (VCV001979891.4), dbSNP rs2537663751, ClinGen allele CA2580078730.